The following is an entry in ClinVar:

ClinVar aggregate classification (germline): Uncertain significance (1 of 4 stars; one submission).

Conditions:
Progressive microcephaly-seizures-cortical blindness-developmental delay syndrome. Also called: Seizures, cortical blindness, and microcephaly syndrome. Identifiers: Orphanet 477814, MedGen C5567650, MONDO:0014714, OMIM 616632.
Autosomal dominant nonsyndromic hearing loss 1. Also called: KONIGSMARK SYNDROME; DEAFNESS, AUTOSOMAL DOMINANT 1, WITH OR WITHOUT THROMBOCYTOPENIA. Identifiers: Orphanet 90635, MedGen C1852282, MONDO:0007424, OMIM 124900.

Submission:

Labcorp Genetics (formerly Invitae), Labcorp
Classification: Uncertain significance for Progressive microcephaly-seizures-cortical blindness-developmental delay syndrome; Autosomal dominant nonsyndromic hearing loss 1. Last evaluated: 2023-06-05. Review status: criteria provided, single submitter. Criteria: Invitae Variant Classification Sherloc (09022015). Collection method: clinical testing. Allele origin: germline.
Comment: In summary, the available evidence is currently insufficient to determine the role of this variant in disease. Therefore, it has been classified as a Variant of Uncertain Significance. Experimental studies and prediction algorithms are not available or were not evaluated, and the functional significance of this variant is currently unknown. This variant has not been reported in the literature in individuals affected with DIAPH1-related conditions. This variant is not present in population databases (gnomAD no frequency). This sequence change replaces glycine, which is neutral and non-polar, with alanine, which is neutral and non-polar, at codon 230 of the DIAPH1 protein (p.Gly230Ala).

NM_005219.5(DIAPH1):c.689G>C (p.Gly230Ala)

Gene: DIAPH1 (diaphanous related formin 1; minus strand). Cytogenetic location: 5q31.3.
Variant type: single nucleotide variant.
Coding change: c.689G>C on transcript NM_005219.5 (MANE Select); coding-DNA position 689, G replaced by C.
Protein change: p.Gly230Ala; replaces glycine 230 with alanine.
Molecular consequence: missense variant.
Genome position (GRCh38, 1-based): chr5:141,580,879, C>G on the plus strand (G>C on the coding strand, the complement: DIAPH1 is on the minus strand). VCF-style: chr5-141580879-C-G. GRCh37 (hg19) VCF-style: chr5-140960446-C-G.
Other names: c.662G>C, p.Gly221Ala (NM_001079812.3); c.689G>C, p.Gly230Ala (NM_001314007.2); short protein forms G221A, G230A.
Identifiers: ClinVar variation 2948591 (VCV002948591.3), dbSNP rs2513765112, ClinGen allele CA361537571.
Genomic context (GRCh38, chr5:141,580,879, plus strand): 5'-GGATCCATGGCTCTGACCAGCAGTAGGATTCCTTCTTCTGTCTCCAACATGGTCTTGATT[C>G]CAAACTGGTAGGACCAAGAACAAAGAAAGGAGGCTGAAAGACGAAAGCATCTAACTGGGG-3'
Protein context (NP_005210.3, residues 220-240): CLKAFMNNKF[Gly230Ala]IKTMLETEEG